The following is an entry in ClinVar:

NM_001081.4(CUBN):c.10547A>T (p.Tyr3516Phe)

Gene: CUBN (cubilin; minus strand). Cytogenetic location: 10p13.
Variant type: single nucleotide variant.
Coding change: c.10547A>T on transcript NM_001081.4 (MANE Select); coding-DNA position 10547, A replaced by T.
Protein change: p.Tyr3516Phe; replaces tyrosine 3516 with phenylalanine.
Molecular consequence: missense variant.
Genome position (GRCh38, 1-based): chr10:16,829,022, T>A on the plus strand (A>T on the coding strand, the complement: CUBN is on the minus strand). VCF-style: chr10-16829022-T-A. GRCh37 (hg19) VCF-style: chr10-16871021-T-A.
Other names: short protein forms Y3516F.
Identifiers: ClinVar variation 1941312 (VCV001941312.5), dbSNP rs749941489, ClinGen allele CA5422350.

ClinVar aggregate classification (germline): Uncertain significance. Review status: criteria provided, multiple submitters, no conflicts (2 of 4 stars). 2 submissions from 2 submitters: Uncertain significance (2). Last evaluated 2025-07-14.

Conditions:
Inborn genetic diseases. Identifiers: MedGen C0950123, MeSH D030342.
Imerslund-Grasbeck syndrome. Also called: Imerslund-Gräsbeck syndrome; ENTEROCYTE COBALAMIN MALABSORPTION; ENTEROCYTE INTRINSIC FACTOR RECEPTOR, DEFECT OF; PERNICIOUS ANEMIA, JUVENILE, DUE TO SELECTIVE INTESTINAL MALABSORPTION OF VITAMIN B12, WITH PROTEINURIA; Megaloblastic anemia due to inborn errors of metabolism. Identifiers: Orphanet 35858, MedGen C4551825, MONDO:0009853.

Allele frequency attached by ClinVar (database versions not stated): gnomAD 0.00001; ExAC 0.00002; TOPMed 0.00002; gnomAD exomes 0.00007.
gnomAD v4.1: 108 of 1,613,896 alleles (0.0067%); highest among the groups gnomAD compares: Non-Finnish European, 0.009%; no homozygotes.

Submissions (2):

Labcorp Genetics (formerly Invitae), Labcorp
Classification: Uncertain significance for Imerslund-Grasbeck syndrome. Last evaluated: 2025-07-14. Review status: criteria provided, single submitter. Criteria: Invitae Variant Classification Sherloc (09022015). Collection method: clinical testing. Allele origin: germline.
Comment: This sequence change replaces tyrosine, which is neutral and polar, with phenylalanine, which is neutral and non-polar, at codon 3516 of the CUBN protein (p.Tyr3516Phe). This variant is present in population databases (rs749941489, gnomAD 0.009%). This variant has not been reported in the literature in individuals affected with CUBN-related conditions. ClinVar contains an entry for this variant (Variation ID: 1941312). Invitae Evidence Modeling of protein sequence and biophysical properties (such as structural, functional, and spatial information, amino acid conservation, physicochemical variation, residue mobility, and thermodynamic stability) indicates that this missense variant is not expected to disrupt CUBN protein function with a negative predictive value of 80%. In summary, the available evidence is currently insufficient to determine the role of this variant in disease. Therefore, it has been classified as a Variant of Uncertain Significance.

Ambry Genetics
Classification: Uncertain significance for Inborn genetic diseases. Last evaluated: 2024-07-09. Review status: criteria provided, single submitter. Criteria: Ambry Variant Classification Scheme 2023. Collection method: clinical testing. Allele origin: germline.